The following is an entry in ClinVar:

ClinVar aggregate classification (germline): Pathogenic/Likely pathogenic. Review status: criteria provided, multiple submitters, no conflicts (2 of 4 stars). 3 submissions from 3 submitters: Pathogenic (1); Likely pathogenic (1). 1 of the submissions does not count toward it. Last evaluated 2025-06-16.

Conditions:
Neuronal ceroid lipofuscinosis. Also called: Neuronal Ceroid Lipofuscinoses. Identifiers: Orphanet 216, Orphanet 79263, MedGen C0027877, MONDO:0016295. Disease mechanism: loss of function.
Neuronal ceroid lipofuscinosis 3 (CLN3). Identifiers: Orphanet 228346, MedGen C0751383, MONDO:0008767, OMIM 204200.

Allele frequency attached by ClinVar (database versions not stated): gnomAD exomes below 0.00001; gnomAD 0.00001; TOPMed 0.00001.
gnomAD v4.1: 2 of 1,612,506 alleles (0.00012%); highest among the groups gnomAD compares: Admixed American, 0.0017%; no homozygotes.

Submissions (3):

Labcorp Genetics (formerly Invitae), Labcorp
Classification: Pathogenic for Neuronal ceroid lipofuscinosis. Last evaluated: 2025-06-16. Review status: criteria provided, single submitter. Criteria: Invitae Variant Classification Sherloc (09022015). Collection method: clinical testing. Allele origin: germline.
Comment: This sequence change affects an acceptor splice site in intron 13 of the CLN3 gene. It is expected to disrupt RNA splicing. Variants that disrupt the donor or acceptor splice site typically lead to a loss of protein function (PMID: 16199547), and loss-of-function variants in CLN3 are known to be pathogenic (PMID: 9311735, 28542676). This variant is not present in population databases (gnomAD no frequency). Disruption of this splice site has been observed in individual(s) with retinal dystrophy (internal data). In at least one individual the data is consistent with being in trans (on the opposite chromosome) from a pathogenic variant. ClinVar contains an entry for this variant (Variation ID: 370667). Algorithms developed to predict the effect of sequence changes on RNA splicing suggest that this variant may disrupt the consensus splice site. For these reasons, this variant has been classified as Pathogenic.

Baylor Genetics
Classification: Likely pathogenic for Neuronal ceroid lipofuscinosis 3. Last evaluated: 2023-06-30. Review status: criteria provided, single submitter. Criteria: ACMG Guidelines, 2015. Collection method: clinical testing. Allele origin: unknown.

Counsyl
Classification: Likely pathogenic for Neuronal ceroid lipofuscinosis 3. Last evaluated: 2016-03-18. Review status: no assertion criteria provided. Collection method: clinical testing. Allele origin: unknown. Not counted in ClinVar's aggregate classification.

Literature cited by the submitters: PubMed 16199547 (cited by Labcorp Genetics (formerly Invitae), Labcorp); PubMed 9311735 (cited by Labcorp Genetics (formerly Invitae), Labcorp); PubMed 28542676 (cited by Labcorp Genetics (formerly Invitae), Labcorp).

NM_001042432.2(CLN3):c.963-1G>A

Gene: CLN3 (CLN3 lysosomal/endosomal transmembrane protein, battenin; minus strand). Cytogenetic location: 16p12.1.
Variant type: single nucleotide variant.
Coding change: c.963-1G>A on transcript NM_001042432.2 (MANE Select); the canonical splice acceptor site of the intron before coding-DNA position 963, G replaced by A.
Molecular consequence: splice acceptor variant.
Genome position (GRCh38, 1-based): chr16:28,482,199, C>T on the plus strand (G>A on the coding strand, the complement: CLN3 is on the minus strand). VCF-style: chr16-28482199-C-T. GRCh37 (hg19) VCF-style: chr16-28493520-C-T.
Other names: c.729-1G>A (NM_001286109.2); c.891-1G>A (NM_001286104.2); c.663-1G>A (NM_001286105.2); c.801-1G>A (NM_001286110.2); c.963-1G>A (NM_000086.2).
Identifiers: ClinVar variation 370667 (VCV000370667.10), dbSNP rs386833742, ClinGen allele CA16041785.
Genomic context (GRCh38, chr16:28,482,199, plus strand): 5'-CGACAGCAGCGGAGAGAAGAGCGGGAGGCAAAGACGCCAGCCTGGTACAGCATCTGGTAC[C>T]TGAGGTTAGGGTTGGGGGGAGGAGAGGAGGCTCCTCCAGGGACCATCCCGCTCCCCCCGG-3'